The following is an entry in ClinVar:

NM_153704.6(TMEM67):c.1773A>C (p.Lys591Asn)

Gene: TMEM67 (transmembrane protein 67; plus strand). Cytogenetic location: 8q22.1.
Variant type: single nucleotide variant.
Coding change: c.1773A>C on transcript NM_153704.6 (MANE Select); coding-DNA position 1773, A replaced by C.
Protein change: p.Lys591Asn; replaces lysine 591 with asparagine.
Molecular consequence: missense variant. On other transcripts: non-coding transcript variant (1).
Genome position (GRCh38, 1-based): chr8:93,795,507, A>C. VCF-style: chr8-93795507-A-C. GRCh37 (hg19) VCF-style: chr8-94807735-A-C.
Other names: c.1530A>C, p.Lys510Asn (NM_001142301.1); short protein forms K510N, K591N.
Identifiers: ClinVar variation 1384129 (VCV001384129.6), dbSNP rs2130727915, ClinGen allele CA371692518.

ClinVar aggregate classification (germline): Uncertain significance (1 of 4 stars; one submission).

Conditions:
Joubert syndrome. Also called: CEREBELLOPARENCHYMAL DISORDER IV; JOUBERT-BOLTSHAUSER SYNDROME; Familial aplasia of the vermis. Identifiers: Orphanet 475, MedGen C5979921, MONDO:0018772.
Meckel-Gruber syndrome. Also called: DYSENCEPHALIA SPLANCHNOCYSTICA; GRUBER SYNDROME; Dysencephalia splachnocystica. Identifiers: Orphanet 564, MedGen C0265215, MONDO:0018921.

Submission:

Labcorp Genetics (formerly Invitae), Labcorp
Classification: Uncertain significance for Joubert syndrome; Meckel-Gruber syndrome. Last evaluated: 2022-07-05. Review status: criteria provided, single submitter. Criteria: Invitae Variant Classification Sherloc (09022015). Collection method: clinical testing. Allele origin: germline.
Comment: This missense change has been observed in individual(s) with clinical features of Joubert syndrome and/or Joubert syndrome (Invitae). In at least one individual the data is consistent with being in trans (on the opposite chromosome) from a pathogenic variant. It has also been observed to segregate with disease in related individuals. This sequence change replaces lysine, which is basic and polar, with asparagine, which is neutral and polar, at codon 591 of the TMEM67 protein (p.Lys591Asn). This variant is not present in population databases (gnomAD no frequency). ClinVar contains an entry for this variant (Variation ID: 1384129). Algorithms developed to predict the effect of missense changes on protein structure and function are either unavailable or do not agree on the potential impact of this missense change (SIFT: "Deleterious"; PolyPhen-2: "Probably Damaging"; Align-GVGD: "Class C0"). In summary, the available evidence is currently insufficient to determine the role of this variant in disease. Therefore, it has been classified as a Variant of Uncertain Significance.